The following is an entry in ClinVar:

ClinVar aggregate classification (germline): Uncertain significance (1 of 4 stars; one submission).

Submission:

GeneDx
Classification: Uncertain significance. Last evaluated: 2024-06-23. Review status: criteria provided, single submitter. Criteria: GeneDx Variant Classification Process June 2021. Collection method: clinical testing. Allele origin: germline. Affected: yes.
Comment: In silico analysis indicates that this missense variant does not alter protein structure/function; Has not been previously published as pathogenic or benign to our knowledge

NM_006013.5(RPL10):c.550A>T (p.Met184Leu)

Gene: RPL10 (ribosomal protein L10; plus strand). Cytogenetic location: Xq28.
Variant type: single nucleotide variant.
Coding change: c.550A>T on transcript NM_006013.5 (MANE Select); coding-DNA position 550, A replaced by T.
Protein change: p.Met184Leu; replaces methionine 184 with leucine.
Molecular consequence: missense variant. On other transcripts: synonymous variant (1), 3 prime UTR variant (1).
Genome position (GRCh38, 1-based): chrX:154,400,759, A>T. VCF-style: chrX-154400759-A-T. GRCh37 (hg19) VCF-style: chrX-153629100-A-T.
Other names: c.387A>T, p.Thr129= (NM_001256577.2); c.442A>T, p.Met148Leu (NM_001256580.2); c.550A>T, p.Met184Leu (NM_001303624.2, NM_001303625.1); c.*101A>T (NM_001303626.1); short protein forms M148L, M184L.
Identifiers: ClinVar variation 3391470 (VCV003391470.1).
Genomic context (GRCh38, chrX:154,400,759, plus strand): 5'-TAGATCCACATCTCAAAGAAGTGGGGCTTCACCAAGTTCAATGCTGATGAATTTGAAGAC[A>T]TGGTGGCTGAAAAGCGGCTCATCCCAGATGGCTGTGGGGTCAAGTACATCCCCAGTCGTG-3'
Protein context (NP_006004.3, residues 174-194): TKFNADEFED[Met184Leu]VAEKRLIPDG